The following is an entry in ClinVar:

NM_001079866.2(BCS1L):c.1232T>G (p.Ile411Ser)

Gene: BCS1L (BCS1 homolog, ubiquinol-cytochrome c reductase complex chaperone; plus strand). Cytogenetic location: 2q35.
Variant type: single nucleotide variant.
Coding change: c.1232T>G on transcript NM_001079866.2 (MANE Select); coding-DNA position 1232, T replaced by G.
Protein change: p.Ile411Ser; replaces isoleucine 411 with serine.
Molecular consequence: missense variant. On other transcripts: non-coding transcript variant (1).
Genome position (GRCh38, 1-based): chr2:218,663,358, T>G. VCF-style: chr2-218663358-T-G. GRCh37 (hg19) VCF-style: chr2-219528081-T-G.
Other names: c.1232T>G, p.Ile411Ser (NM_001257342.2, NM_001257343.2, NM_001257344.2 and 10 more transcripts); c.872T>G, p.Ile291Ser (NM_001318836.2, NM_001371451.1); c.731T>G, p.Ile244Ser (NM_001371452.1, NM_001371453.1, NM_001371454.1 and 3 more transcripts); short protein forms I291S, I244S, I411S.
Identifiers: ClinVar variation 2066137 (VCV002066137.3), dbSNP rs142436820, ClinGen allele CA2109858.

ClinVar aggregate classification (germline): Uncertain significance. Review status: criteria provided, multiple submitters, no conflicts (2 of 4 stars). 2 submissions from 2 submitters: Uncertain significance (2). Last evaluated 2023-03-01.

Conditions:
Inborn genetic diseases. Identifiers: MedGen C0950123, MeSH D030342.

Allele frequency attached by ClinVar (database versions not stated): ExAC 0.00001; ESP Exome Variant Server 0.00015.

Submissions (2):

Ambry Genetics
Classification: Uncertain significance for Inborn genetic diseases. Last evaluated: 2023-03-01. Review status: criteria provided, single submitter. Criteria: Ambry Variant Classification Scheme 2023. Collection method: clinical testing. Allele origin: germline.

Labcorp Genetics (formerly Invitae), Labcorp
Classification: Uncertain significance. Last evaluated: 2020-05-06. Review status: criteria provided, single submitter. Criteria: Invitae Variant Classification Sherloc (09022015). Collection method: clinical testing. Allele origin: germline.
Comment: This sequence change replaces isoleucine with serine at codon 411 of the BCS1L protein (p.Ile411Ser). The isoleucine residue is moderately conserved and there is a large physicochemical difference between isoleucine and serine. This variant is present in population databases (rs142436820, ExAC 0.002%). This variant has not been reported in the literature in individuals with BCS1L-related disease. Algorithms developed to predict the effect of missense changes on protein structure and function do not agree on the potential impact of this missense change (SIFT: "Deleterious"; PolyPhen-2: "Benign"; Align-GVGD: "Class C35"). In summary, the available evidence is currently insufficient to determine the role of this variant in disease. Therefore, it has been classified as a Variant of Uncertain Significance.